The following is an entry in ClinVar:

ClinVar aggregate classification (germline): Uncertain significance. Review status: criteria provided, multiple submitters, no conflicts (2 of 4 stars). 3 submissions from 3 submitters: Uncertain significance (3). Last evaluated 2025-10-29.

Conditions:
Inborn genetic diseases. Identifiers: MedGen C0950123, MeSH D030342.
Cranioectodermal dysplasia 1 (CED1). Also called: LEVIN SYNDROME I. Identifiers: Orphanet 1515, MedGen C0432235, MONDO:0021093, OMIM 218330.

Allele frequency attached by ClinVar (database versions not stated): TOPMed 0.00011; ESP Exome Variant Server 0.00015; gnomAD 0.00015; ExAC 0.00017.
gnomAD v4.1: 170 of 1,613,436 alleles (0.011%); highest among the groups gnomAD compares: African/African-American, 0.035%; 1 homozygote.

Submissions (3):

Ambry Genetics
Classification: Uncertain significance for Inborn genetic diseases. Last evaluated: 2025-10-29. Review status: criteria provided, single submitter. Criteria: Ambry Variant Classification Scheme 2023. Collection method: clinical testing. Allele origin: germline.

Labcorp Genetics (formerly Invitae), Labcorp
Classification: Uncertain significance for Cranioectodermal dysplasia 1. Last evaluated: 2022-06-23. Review status: criteria provided, single submitter. Criteria: Invitae Variant Classification Sherloc (09022015). Collection method: clinical testing. Allele origin: germline.
Comment: This sequence change replaces valine, which is neutral and non-polar, with methionine, which is neutral and non-polar, at codon 1215 of the IFT122 protein (p.Val1215Met). This variant is present in population databases (rs139940512, gnomAD 0.03%). This variant has not been reported in the literature in individuals affected with IFT122-related conditions. Algorithms developed to predict the effect of missense changes on protein structure and function are either unavailable or do not agree on the potential impact of this missense change (SIFT: "Deleterious"; PolyPhen-2: "Possibly Damaging"; Align-GVGD: "Class C0"). In summary, the available evidence is currently insufficient to determine the role of this variant in disease. Therefore, it has been classified as a Variant of Uncertain Significance.

Revvity Omics, Revvity
Classification: Uncertain significance for Cranioectodermal dysplasia 1. Last evaluated: 2021-05-19. Review status: criteria provided, single submitter. Criteria: ACMG Guidelines, 2015. Collection method: clinical testing. Allele origin: germline.

NM_052989.3(IFT122):c.3490G>A (p.Val1164Met)

Gene: IFT122 (intraflagellar transport 122; plus strand). Cytogenetic location: 3q22.1.
Variant type: single nucleotide variant.
Coding change: c.3490G>A on transcript NM_052989.3 (MANE Select); coding-DNA position 3490, G replaced by A.
Protein change: p.Val1164Met; replaces valine 1164 with methionine.
Molecular consequence: missense variant.
Genome position (GRCh38, 1-based): chr3:129,519,586, G>A. VCF-style: chr3-129519586-G-A. GRCh37 (hg19) VCF-style: chr3-129238429-G-A.
Other names: c.3469G>A, p.Val1157Met (NM_001280541.2); c.3040G>A, p.Val1014Met (NM_001280545.2); c.2863G>A, p.Val955Met (NM_001280546.2); c.3493G>A, p.Val1165Met (NM_001410808.1); c.3436G>A, p.Val1146Met (NM_001410809.1); c.3316G>A, p.Val1106Met (NM_001410810.1); c.3262G>A, p.Val1088Met (NM_001410811.1); c.3259G>A, p.Val1087Met (NM_001410813.1); and 6 more; short protein forms V1053M, V1157M, V955M, V1106M, V1164M, V1165M, V1014M, V1146M.
Identifiers: ClinVar variation 2046413 (VCV002046413.6), dbSNP rs139940512, ClinGen allele CA2606948.